The following is an entry in ClinVar:

NM_001267550.2(TTN):c.33826+17T>A

Gene: TTN (titin; minus strand). Cytogenetic location: 2q31.2.
Variant type: single nucleotide variant.
Coding change: c.33826+17T>A on transcript NM_001267550.2 (MANE Select); 17 bases into the intron after coding-DNA position 33826, T replaced by A.
Molecular consequence: intron variant.
Genome position (GRCh38, 1-based): chr2:178,678,730, A>T on the plus strand (T>A on the coding strand, the complement: TTN is on the minus strand). VCF-style: chr2-178678730-A-T. GRCh37 (hg19) VCF-style: chr2-179543457-A-T.
Other names: c.13283-36413T>A (NM_003319.4); c.13859-36413T>A (NM_133437.4); c.13658-36413T>A (NM_133432.3); c.30094+17T>A (NM_133378.4); c.32875+17T>A (NM_001256850.1).
Identifiers: ClinVar variation 378814 (VCV000378814.11), dbSNP rs199586235, ClinGen allele CA1998222.
Genomic context (GRCh38, chr2:178,678,730, plus strand): 5'-TACAGAATTAAACCAATTAATTTTTACCCATATGCAAATGTGAAATAAAAATATTGCAAC[A>T]TTGCAAGTTCATGTACCTTTGGCAGGTGGAGCTTCCACCTTTTTAGGAACTGGTACTGGT-3'

ClinVar aggregate classification (germline): Benign/Likely benign. Review status: criteria provided, multiple submitters, no conflicts (2 of 4 stars). 4 submissions from 4 submitters: Benign (2); Likely benign (2). Last evaluated 2026-01-06.

Conditions:
Dilated cardiomyopathy 1G (CMD1G). Identifiers: Orphanet 154, MedGen C1858763, MONDO:0011400, OMIM 604145.
Autosomal recessive limb-girdle muscular dystrophy type 2J (LGMDR10). Also called: Limb-girdle muscular dystrophy, type 2J; MUSCULAR DYSTROPHY, LIMB-GIRDLE, AUTOSOMAL RECESSIVE 10. Identifiers: Orphanet 140922, MedGen C1837342, MONDO:0012127, OMIM 608807.

Allele frequency attached by ClinVar (database versions not stated): gnomAD exomes 0.00013 and 0.00022; TOPMed 0.00016; ExAC 0.00018; ESP Exome Variant Server 0.00025.
gnomAD v4.1: 228 of 1,597,540 alleles (0.014%); highest among the groups gnomAD compares: Middle Eastern, 0.017%; no homozygotes.

Submissions (4):

Labcorp Genetics (formerly Invitae), Labcorp
Classification: Benign for Dilated cardiomyopathy 1G; Autosomal recessive limb-girdle muscular dystrophy type 2J. Last evaluated: 2026-01-06. Review status: criteria provided, single submitter. Criteria: Invitae Variant Classification Sherloc (09022015). Collection method: clinical testing. Allele origin: germline.

Women's Health and Genetics/Laboratory Corporation of America, LabCorp
Classification: Likely benign. Last evaluated: 2025-03-17. Review status: criteria provided, single submitter. Criteria: LabCorp Variant Classification Summary - May 2015. Collection method: clinical testing. Allele origin: germline.

Blueprint Genetics
Classification: Likely benign. Last evaluated: 2024-10-08. Review status: criteria provided, single submitter. Criteria: ACMG Guidelines, 2015. Collection method: clinical testing. Allele origin: germline.

GeneDx
Classification: Benign. Last evaluated: 2016-01-11. Review status: criteria provided, single submitter. Criteria: GeneDx Variant Classification (06012015). Collection method: clinical testing. Allele origin: germline. Affected: yes.
Comment: This variant is considered likely benign or benign based on one or more of the following criteria: it is a conservative change, it occurs at a poorly conserved position in the protein, it is predicted to be benign by multiple in silico algorithms, and/or has population frequency not consistent with disease.